The following is an entry in ClinVar:

ClinVar aggregate classification (germline): Benign/Likely benign. Review status: criteria provided, multiple submitters, no conflicts (2 of 4 stars). 2 submissions from 2 submitters: Benign (1); Likely benign (1). Last evaluated 2024-10-02.

Conditions:
Familial cancer of breast. Also called: BREAST CANCER, FAMILIAL; Hereditary breast cancer; hereditary breast carcinoma. Identifiers: Orphanet 227535, MedGen C0346153, MONDO:0016419, OMIM 114480. Disease mechanism: loss of function.
Hereditary cancer-predisposing syndrome. Also called: Neoplastic Syndromes, Hereditary; Tumor predisposition; Hereditary neoplastic syndrome; Hereditary Cancer Syndrome. Identifiers: Orphanet 140162, MedGen C0027672, MeSH D009386, MONDO:0015356.

Submissions (2):

Myriad Genetics, Inc.
Classification: Benign for Familial cancer of breast. Last evaluated: 2024-10-02. Review status: criteria provided, single submitter. Criteria: Myriad Autosomal Dominant, Autosomal Recessive and X-Linked Classification Criteria (2023). Collection method: clinical testing. Allele origin: unknown.
Comment: This variant is considered benign. This variant is a silent/synonymous amino acid change and it is not expected to impact splicing.

Ambry Genetics
Classification: Likely benign for Hereditary cancer-predisposing syndrome. Last evaluated: 2024-01-19. Review status: criteria provided, single submitter. Criteria: Ambry Variant Classification Scheme 2023. Collection method: clinical testing. Allele origin: germline.

NM_007194.4(CHEK2):c.327G>A (p.Val109=)

Gene: CHEK2 (checkpoint kinase 2; minus strand). Cytogenetic location: 22q12.1.
Variant type: single nucleotide variant.
Coding change: c.327G>A on transcript NM_007194.4 (MANE Select); coding-DNA position 327, G replaced by A.
Protein change: p.Val109=; no amino-acid change (valine 109 retained).
Molecular consequence: synonymous variant.
Genome position (GRCh38, 1-based): chr22:28,725,360, C>T on the plus strand (G>A on the coding strand, the complement: CHEK2 is on the minus strand). VCF-style: chr22-28725360-C-T. GRCh37 (hg19) VCF-style: chr22-29121348-C-T.
Other names: c.456G>A, p.Val152= (NM_001005735.3); c.-451G>A (NM_001257387.3); c.327G>A, p.Val109= (NM_001349956.3, NM_145862.3).
Identifiers: ClinVar variation 3226033 (VCV003226033.2), dbSNP rs2053967150, ClinGen allele CA513945315.